The following is an entry in ClinVar:

ClinVar aggregate classification (germline): Conflicting classifications of pathogenicity. Review status: criteria provided, conflicting classifications (1 of 4 stars). 2 submissions from 2 submitters: Uncertain significance (1); Likely benign (1). Last evaluated 2026-08-06.

Conditions:
Hypertrophic cardiomyopathy. Also called: HYPERTROPHIC MYOCARDIOPATHY. Identifiers: Orphanet 217569, MedGen C0007194, MeSH D002312, MONDO:0005045, HP:0001639.
Cardiovascular phenotype. Identifiers: MedGen CN230736.

Submissions (2):

Ambry Genetics
Classification: Likely benign for Cardiovascular phenotype. Last evaluated: 2026-08-06. Review status: criteria provided, single submitter. Criteria: Ambry Variant Classification Scheme 2023. Collection method: clinical testing. Allele origin: germline.

Labcorp Genetics (formerly Invitae), Labcorp
Classification: Uncertain significance for Hypertrophic cardiomyopathy. Last evaluated: 2022-02-28. Review status: criteria provided, single submitter. Criteria: Invitae Variant Classification Sherloc (09022015). Collection method: clinical testing. Allele origin: germline.
Comment: This sequence change replaces proline, which is neutral and non-polar, with serine, which is neutral and polar, at codon 123 of the MYBPC3 protein (p.Pro123Ser). This variant is not present in population databases (gnomAD no frequency). This variant has not been reported in the literature in individuals affected with MYBPC3-related conditions. Algorithms developed to predict the effect of missense changes on protein structure and function output the following: SIFT: "Tolerated"; PolyPhen-2: "Benign"; Align-GVGD: "Class C0". The serine amino acid residue is found in multiple mammalian species, which suggests that this missense change does not adversely affect protein function. In summary, the available evidence is currently insufficient to determine the role of this variant in disease. Therefore, it has been classified as a Variant of Uncertain Significance.

NM_000256.3(MYBPC3):c.367C>T (p.Pro123Ser)

Gene: MYBPC3 (myosin binding protein C3; minus strand). Cytogenetic location: 11p11.2.
Variant type: single nucleotide variant.
Coding change: c.367C>T on transcript NM_000256.3 (MANE Select); coding-DNA position 367, C replaced by T.
Protein change: p.Pro123Ser; replaces proline 123 with serine.
Molecular consequence: missense variant.
Genome position (GRCh38, 1-based): chr11:47,350,541, G>A on the plus strand (C>T on the coding strand, the complement: MYBPC3 is on the minus strand). VCF-style: chr11-47350541-G-A. GRCh37 (hg19) VCF-style: chr11-47372092-G-A.
Other names: short protein forms P123S.
Identifiers: ClinVar variation 1733863 (VCV001733863.7), dbSNP rs2495783551, ClinGen allele CA380340558.